The following is an entry in ClinVar:

NM_000059.4(BRCA2):c.6650A>G (p.Lys2217Arg)

Gene: BRCA2 (BRCA2 DNA repair associated; plus strand). Cytogenetic location: 13q13.1.
Variant type: single nucleotide variant.
Coding change: c.6650A>G on transcript NM_000059.4 (MANE Select); coding-DNA position 6650, A replaced by G.
Protein change: p.Lys2217Arg; replaces lysine 2217 with arginine.
Molecular consequence: missense variant.
Genome position (GRCh38, 1-based): chr13:32,341,005, A>G. VCF-style: chr13-32341005-A-G. GRCh37 (hg19) VCF-style: chr13-32915142-A-G.
Other names: short protein forms K2217R.
Identifiers: ClinVar variation 483069 (VCV000483069.19), dbSNP rs1555284781, ClinGen allele CA387790393.
Genomic context (GRCh38, chr13:32,341,005, plus strand): 5'-CTGAAACTTTTTCTGATGTTCCTGTGAAAACAAATATAGAAGTTTGTTCTACTTACTCCA[A>G]AGATTCAGAAAACTACTTTGAAACAGAAGCAGTAGAAATTGCTAAAGCTTTTATGGAAGA-3'
Protein context (NP_000050.3, residues 2207-2227): TNIEVCSTYS[Lys2217Arg]DSENYFETEA

ClinVar aggregate classification (germline): Conflicting classifications of pathogenicity. Review status: criteria provided, conflicting classifications (1 of 4 stars). 3 submissions from 3 submitters: Uncertain significance (2); Likely benign (1). Last evaluated 2025-02-25.

Conditions:
Hereditary cancer-predisposing syndrome. Also called: Neoplastic Syndromes, Hereditary; Tumor predisposition; Hereditary Cancer Syndrome; Hereditary neoplastic syndrome. Identifiers: Orphanet 140162, MedGen C0027672, MeSH D009386, MONDO:0015356.
Hereditary breast ovarian cancer syndrome. Also called: Hereditary breast and ovarian cancer syndrome; Hereditary breast and ovarian cancer; Hereditary breast and ovarian cancer syndrome (HBOC); Breast and ovarian cancer; Hereditary breast and/or ovarian cancer syndrome; BRCA1- and BRCA2-Associated Hereditary Breast and Ovarian Cancer. Identifiers: Orphanet 145, MedGen C0677776, MeSH D061325, MONDO:0003582. Disease mechanism: loss of function.

Submissions (3):

Ambry Genetics
Classification: Uncertain significance for Hereditary cancer-predisposing syndrome. Last evaluated: 2025-02-25. Review status: criteria provided, single submitter. Criteria: Ambry Variant Classification Scheme 2023. Collection method: clinical testing. Allele origin: germline.
Comment: The p.K2217R variant (also known as c.6650A>G), located in coding exon 10 of the BRCA2 gene, results from an A to G substitution at nucleotide position 6650. The lysine at codon 2217 is replaced by arginine, an amino acid with highly similar properties. This amino acid position is not well conserved in available vertebrate species. In addition, the in silico prediction for this alteration is inconclusive. Based on the available evidence, the clinical significance of this variant remains unclear.

Labcorp Genetics (formerly Invitae), Labcorp
Classification: Uncertain significance for Hereditary breast ovarian cancer syndrome. Last evaluated: 2023-06-02. Review status: criteria provided, single submitter. Criteria: Invitae Variant Classification Sherloc (09022015). Collection method: clinical testing. Allele origin: germline.
Comment: In summary, the available evidence is currently insufficient to determine the role of this variant in disease. Therefore, it has been classified as a Variant of Uncertain Significance. Advanced modeling of protein sequence and biophysical properties (such as structural, functional, and spatial information, amino acid conservation, physicochemical variation, residue mobility, and thermodynamic stability) performed at Invitae indicates that this missense variant is not expected to disrupt BRCA2 protein function. ClinVar contains an entry for this variant (Variation ID: 483069). This missense change has been observed in individual(s) with clinical features of hereditary breast and ovarian cancer syndrome (PMID: 32438681). This variant is not present in population databases (gnomAD no frequency). This sequence change replaces lysine, which is basic and polar, with arginine, which is basic and polar, at codon 2217 of the BRCA2 protein (p.Lys2217Arg).

University of Washington Department of Laboratory Medicine, University of Washington
Classification: Likely benign for Hereditary cancer-predisposing syndrome. Last evaluated: 2023-03-23. Review status: criteria provided, single submitter. Criteria: Dines et al. (Genet Med. 2020). Collection method: curation. Allele origin: germline.
Comment: Missense variant in a coldspot region where missense variants are very unlikely to be pathogenic (PMID:31911673).

BRCA2 exon 11 coldspot. Reclassification based on statistical prior probability.

Literature cited by the submitters: PubMed 32438681 (cited by Labcorp Genetics (formerly Invitae), Labcorp).